The following is an entry in ClinVar:

ClinVar aggregate classification (germline): Uncertain significance (1 of 4 stars; one submission).

Conditions:
BRSK2-related disorder. Also called: BRSK2-related condition; BRSK2-Related Disorders.

gnomAD v4.1: 305 of 1,542,080 alleles (0.02%); highest among the groups gnomAD compares: Non-Finnish European, 0.025%; no homozygotes.

Submission:

PreventionGenetics, part of Exact Sciences
Classification: Uncertain significance for BRSK2-related condition. Last evaluated: 2025-10-31. Review status: criteria provided, single submitter. Criteria: ACMG Guidelines, 2015. Collection method: clinical testing. Allele origin: germline.
Comment: The BRSK2 c.229+3G>A variant is predicted to interfere with splicing. This variant is predicted to alter splicing based on available splicing prediction programs (SpliceAI, Jaganathan et al. 2019. PubMed ID: 30661751). However, the use of computer prediction programs is not equivalent to functional evidence. To our knowledge, this variant has not been reported in the literature. This variant is reported in 0.042% of alleles in individuals of European (Non-Finnish) descent in gnomAD. At this time, the clinical significance of this variant is uncertain due to the absence of conclusive functional and genetic evidence.

NM_001256627.2(BRSK2):c.91+21261G>A

Gene: BRSK2 (BR serine/threonine kinase 2; plus strand). Cytogenetic location: 11p15.5.
Variant type: single nucleotide variant.
Coding change: c.91+21261G>A on transcript NM_001256627.2 (MANE Select); 21261 bases into the intron after coding-DNA position 91, G replaced by A.
Molecular consequence: intron variant.
Genome position (GRCh38, 1-based): chr11:1,411,636, G>A. VCF-style: chr11-1411636-G-A. GRCh37 (hg19) VCF-style: chr11-1432866-G-A.
Other names: c.91+21261G>A (NM_001440665.1, NM_001440668.1, NM_001440670.1 and 3 more transcripts); c.-90+2005G>A (NM_001440674.1); c.-90+1777G>A (NM_001440671.1, NM_001440672.1, NM_001440669.1 and 2 more transcripts); c.-90+730G>A (NM_001282218.2, NM_001440675.1); c.229+3G>A (NM_001256630.1, NM_001440667.1).
Identifiers: ClinVar variation 4981351 (VCV004981351.1).